The following is an entry in ClinVar:

NM_002907.4(RECQL):c.923T>C (p.Ile308Thr)

Gene: RECQL (RecQ like helicase; minus strand). Cytogenetic location: 12p12.1.
Variant type: single nucleotide variant.
Coding change: c.923T>C on transcript NM_002907.4 (MANE Select); coding-DNA position 923, T replaced by C.
Protein change: p.Ile308Thr; replaces isoleucine 308 with threonine.
Molecular consequence: missense variant.
Genome position (GRCh38, 1-based): chr12:21,476,937, A>G on the plus strand (T>C on the coding strand, the complement: RECQL is on the minus strand). VCF-style: chr12-21476937-A-G. GRCh37 (hg19) VCF-style: chr12-21629871-A-G.
Other names: c.923T>C, p.Ile308Thr (NM_032941.3); short protein forms I308T.
Identifiers: ClinVar variation 1766298 (VCV001766298.7), dbSNP rs893033398, ClinGen allele CA233570415.
Genomic context (GRCh38, chr12:21,476,937, plus strand): 5'-CTCTGTCTCCAAAGTTGGTTTGTTTTTACATTACCTGATTGCCCTTTGTATCTCCCATTA[A>G]TGAGCTTTACAATATCCTCAATAAAATCTTCAGTGTTTGAGGGCTTCTGCCGAACCTAAA-3'
Protein context (NP_002898.2, residues 298-318): EDFIEDIVKL[Ile308Thr]NGRYKGQSGI

ClinVar aggregate classification (germline): Uncertain significance. Review status: criteria provided, multiple submitters, no conflicts (2 of 4 stars). 2 submissions from 2 submitters: Uncertain significance (2). Last evaluated 2025-09-05.

Allele frequency attached by ClinVar (database versions not stated): gnomAD 0.00001; gnomAD exomes 0.00001; TOPMed 0.00003.
gnomAD v4.1: 12 of 1,609,630 alleles (0.00075%); highest among the groups gnomAD compares: African/African-American, 0.012%; no homozygotes.

Submissions (2):

Ambry Genetics
Classification: Uncertain significance. Last evaluated: 2025-09-05. Review status: criteria provided, single submitter. Criteria: Ambry Variant Classification Scheme 2023. Collection method: clinical testing. Allele origin: germline.

Labcorp Genetics (formerly Invitae), Labcorp
Classification: Uncertain significance. Last evaluated: 2023-11-28. Review status: criteria provided, single submitter. Criteria: Invitae Variant Classification Sherloc (09022015). Collection method: clinical testing. Allele origin: germline.
Comment: This sequence change replaces isoleucine, which is neutral and non-polar, with threonine, which is neutral and polar, at codon 308 of the RECQL protein (p.Ile308Thr). The frequency data for this variant in the population databases is considered unreliable, as metrics indicate poor data quality at this position in the gnomAD database. This variant has not been reported in the literature in individuals affected with RECQL-related conditions. ClinVar contains an entry for this variant (Variation ID: 1766298). Advanced modeling of protein sequence and biophysical properties (such as structural, functional, and spatial information, amino acid conservation, physicochemical variation, residue mobility, and thermodynamic stability) performed at Invitae indicates that this missense variant is expected to disrupt RECQL protein function with a positive predictive value of 80%. In summary, the available evidence is currently insufficient to determine the role of this variant in disease. Therefore, it has been classified as a Variant of Uncertain Significance.